The following is an entry in ClinVar:

NM_080669.6(SLC46A1):c.1307C>T (p.Pro436Leu)

Genes: SLC46A1 (solute carrier family 46 member 1; minus strand), SARM1 (sterile alpha and TIR motif containing 1; plus strand). Cytogenetic location: 17q11.2.
Variant type: single nucleotide variant.
Coding change: c.1307C>T on transcript NM_080669.6 (MANE Select); coding-DNA position 1307, C replaced by T.
Protein change: p.Pro436Leu; replaces proline 436 with leucine.
Molecular consequence: missense variant. On other transcripts: 3 prime UTR variant (1).
Genome position (GRCh38, 1-based): chr17:28,400,625, G>A on the plus strand (C>T on the coding strand, the complement: SLC46A1 is on the minus strand). VCF-style: chr17-28400625-G-A. GRCh37 (hg19) VCF-style: chr17-26727641-G-A.
Other names: c.1223C>T, p.Pro408Leu (NM_001242366.3); c.*4339G>A (NM_015077.4); c.1307C>T (NM_080669.4); short protein forms P408L, P436L.
Identifiers: ClinVar variation 1433870 (VCV001433870.7), dbSNP rs781949017, ClinGen allele CA8458165.

ClinVar aggregate classification (germline): Uncertain significance. Review status: criteria provided, multiple submitters, no conflicts (2 of 4 stars). 2 submissions from 2 submitters: Uncertain significance (2). Last evaluated 2024-10-12.

Conditions:
Inborn genetic diseases. Identifiers: MedGen C0950123, MeSH D030342.

Allele frequency attached by ClinVar (database versions not stated): ExAC 0.00001; gnomAD exomes 0.00002; TOPMed 0.00002; gnomAD 0.00003.
gnomAD v4.1: 50 of 1,613,578 alleles (0.0031%); highest among the groups gnomAD compares: East Asian, 0.013%; no homozygotes.

Submissions (2):

Ambry Genetics
Classification: Uncertain significance for Inborn genetic diseases. Last evaluated: 2024-10-12. Review status: criteria provided, single submitter. Criteria: Ambry Variant Classification Scheme 2023. Collection method: clinical testing. Allele origin: germline.

Labcorp Genetics (formerly Invitae), Labcorp
Classification: Uncertain significance. Last evaluated: 2024-01-19. Review status: criteria provided, single submitter. Criteria: Invitae Variant Classification Sherloc (09022015). Collection method: clinical testing. Allele origin: germline.
Comment: This sequence change replaces proline, which is neutral and non-polar, with leucine, which is neutral and non-polar, at codon 436 of the SLC46A1 protein (p.Pro436Leu). This variant is present in population databases (rs781949017, gnomAD 0.01%). This variant has not been reported in the literature in individuals affected with SLC46A1-related conditions. ClinVar contains an entry for this variant (Variation ID: 1433870). Advanced modeling of protein sequence and biophysical properties (such as structural, functional, and spatial information, amino acid conservation, physicochemical variation, residue mobility, and thermodynamic stability) performed at Invitae indicates that this missense variant is not expected to disrupt SLC46A1 protein function with a negative predictive value of 80%. In summary, the available evidence is currently insufficient to determine the role of this variant in disease. Therefore, it has been classified as a Variant of Uncertain Significance.